The following is an entry in ClinVar:

NM_031206.7(LAS1L):c.1240A>T (p.Ile414Phe)

Gene: LAS1L (LAS1 like ribosome biogenesis factor; minus strand). Cytogenetic location: Xq12.
Variant type: single nucleotide variant.
Coding change: c.1240A>T on transcript NM_031206.7 (MANE Select); coding-DNA position 1240, A replaced by T.
Protein change: p.Ile414Phe; replaces isoleucine 414 with phenylalanine.
Molecular consequence: missense variant. On other transcripts: non-coding transcript variant (1).
Genome position (GRCh38, 1-based): chrX:65,524,116, T>A on the plus strand (A>T on the coding strand, the complement: LAS1L is on the minus strand). VCF-style: chrX-65524116-T-A. GRCh37 (hg19) VCF-style: chrX-64743996-T-A.
Other names: c.1189A>T, p.Ile397Phe (NM_001170649.2, NM_001375331.1, NM_001375333.1 and 2 more transcripts); c.1063A>T, p.Ile355Phe (NM_001170650.2); c.1240A>T, p.Ile414Phe (NM_001375328.1, NM_001375329.1, NM_001375330.1 and 3 more transcripts); c.283A>T, p.Ile95Phe (NM_001375332.1); short protein forms I355F, I397F, I414F, I95F.
Identifiers: ClinVar variation 3252788 (VCV003252788.1), dbSNP rs2522573695.
Genomic context (GRCh38, chrX:65,524,116, plus strand): 5'-CAGTCTTGGTGTTGGCCACGATCAGTTCAACGGTCCATCTGAGGATGTAGGTAGGCCGGA[T>A]CCCGCTGATCCCCAAGGCTGGCAGTTCAGAGAGCATCCTCTCCAATAGGGCCTGCGTGAA-3'
Protein context (NP_112483.1, residues 404-424): SELPALGISG[Ile414Phe]RPTYILRWTV

ClinVar aggregate classification (germline): Uncertain significance (1 of 4 stars; one submission).

Submission:

GeneDx
Classification: Uncertain significance. Last evaluated: 2024-06-11. Review status: criteria provided, single submitter. Criteria: GeneDx Variant Classification Process June 2021. Collection method: clinical testing. Allele origin: germline. Affected: yes.
Comment: Not observed at significant frequency in large population cohorts (gnomAD); In silico analysis indicates that this missense variant does not alter protein structure/function; Has not been previously published as pathogenic or benign to our knowledge